The following is an entry in ClinVar:

ClinVar aggregate classification (germline): Conflicting classifications of pathogenicity. Review status: criteria provided, conflicting classifications (1 of 4 stars). 5 submissions from 5 submitters: Uncertain significance (4); Likely benign (1). Last evaluated 2026-01-27.

Conditions:
Noonan syndrome and Noonan-related syndrome. Identifiers: Orphanet 98733, MedGen C5681679, MONDO:0020297.
RASopathy. Also called: Noonan spectrum disorder; rasopathies. Identifiers: Orphanet 536391, MedGen C5555857, MONDO:0021060.
Noonan syndrome 5 (NS5). Also called: RAF1-Related Noonan Syndrome. Identifiers: Orphanet 648, MedGen C1969057, MONDO:0012690, OMIM 611553. Disease mechanism: gain of function.
Cardiovascular phenotype. Identifiers: MedGen CN230736.

Allele frequency attached by ClinVar (database versions not stated): gnomAD 0.00001; gnomAD exomes 0.00001; TOPMed 0.00002; ESP Exome Variant Server 0.00008.
gnomAD v4.1: 10 of 1,614,030 alleles (0.00062%); highest among the groups gnomAD compares: African/African-American, 0.004%; no homozygotes.

Submissions (5):

Labcorp Genetics (formerly Invitae), Labcorp
Classification: Uncertain significance for RASopathy. Last evaluated: 2026-01-27. Review status: criteria provided, single submitter. Criteria: Invitae Variant Classification Sherloc (09022015). Collection method: clinical testing. Allele origin: germline.
Comment: This sequence change replaces proline, which is neutral and non-polar, with alanine, which is neutral and non-polar, at codon 384 of the RAF1 protein (p.Pro384Ala). This variant is present in population databases (rs140788943, gnomAD 0.01%). This variant has not been reported in the literature in individuals affected with RAF1-related conditions. ClinVar contains an entry for this variant (Variation ID: 561376). Invitae Evidence Modeling incorporating data from in vitro experimental studies (internal data) did not meet the statistical confidence thresholds required to predict the impact of this variant on RAF1 function. In summary, the available evidence is currently insufficient to determine the role of this variant in disease. Therefore, it has been classified as a Variant of Uncertain Significance.

Victorian Clinical Genetics Services, Murdoch Childrens Research Institute
Classification: Likely benign for Noonan syndrome 5. Last evaluated: 2024-10-08. Review status: criteria provided, single submitter. Criteria: ACMG Guidelines, 2015. Collection method: clinical testing. Allele origin: germline. Inheritance: Autosomal dominant inheritance. Affected: yes.
Comment: Based on the classification scheme VCGS_Germline_v1.3.4, this variant is classified as Likely benign. Following criteria are met: 0103 - Loss of function and gain of function are known mechanisms of disease in this gene. Gain of function is associated with Noonan (MIM#611553) and LEOPARD syndromes (MIM#2611554), while loss of function is associated with non-HCM-associated variants (PMIDs: 17603483, 17603482). (I) 0107 - This gene is associated with autosomal dominant disease. (I) 0200 - Variant is predicted to result in a missense amino acid change from proline to alanine. (I) 0251 - This variant is heterozygous. (I) 0302 - Variant is present in gnomAD (v2) <0.001 for a dominant condition (1 heterozygotes, 0 homozygotes). (SP) 0502 - Missense variant with conflicting in silico predictions and uninformative conservation. (I) 0600 - Variant is located in the annotated protein tyrosine and serine/threonine kinase domain (DECIPHER). (I) 0710 - Other missense variants comparable to the one identified in this case have inconclusive previous evidence for pathogenicity. p.(Pro384Ser) and p.(Pro384Arg) have been classified as variants of uncertain significance by clinical laboratories in ClinVar. (I) 0809 - Previous evidence of pathogenicity for this variant is inconclusive. This variant has been classified as a VUS by clinical laboratories in ClinVar. (I) 0905 - No published segregation evidence has been identified for this variant. (I) 1007 - No published functional evidence has been identified for this variant. (I)

Ambry Genetics
Classification: Uncertain significance for Cardiovascular phenotype. Last evaluated: 2023-11-01. Review status: criteria provided, single submitter. Criteria: Ambry Variant Classification Scheme 2023. Collection method: clinical testing. Allele origin: germline.
Comment: The p.P384A variant (also known as c.1150C>G), located in coding exon 10 of the RAF1 gene, results from a C to G substitution at nucleotide position 1150. The proline at codon 384 is replaced by alanine, an amino acid with highly similar properties. This amino acid position is conserved. In addition, the in silico prediction for this alteration is inconclusive. Since supporting evidence is limited at this time, the clinical significance of this alteration remains unclear.

Genome Diagnostics Laboratory, The Hospital for Sick Children
Classification: Uncertain significance for Noonan syndrome and Noonan-related syndrome. Last evaluated: 2018-10-01. Review status: criteria provided, single submitter. Criteria: ACMG Guidelines, 2015. Collection method: clinical testing. Allele origin: germline.

GeneDx
Classification: Uncertain significance. Last evaluated: 2018-08-21. Review status: criteria provided, single submitter. Criteria: GeneDx Variant Classification (06012015). Collection method: clinical testing. Allele origin: germline. Affected: yes.
Comment: The P384A variant has not been published as pathogenic or been reported as benign to our knowledge. This variant is observed in 1/8726 (0.01%) alleles from individuals of African ancestry in large population cohorts (Lek et al., 2016). The P384A variant is a semi-conservative amino acid substitution, which may impact secondary protein structure as these residues differ in some properties. In-silico analyses, including protein predictors and evolutionary conservation, support a deleterious effect. Nonetheless, additional evidence is needed to clarify pathogenicity, including observation in a significant number of affected individuals, segregation data, and functional evidence.

Literature cited by the submitters: PubMed 17603482 (cited by Victorian Clinical Genetics Services, Murdoch Childrens Research Institute); PubMed 17603483 (cited by Victorian Clinical Genetics Services, Murdoch Childrens Research Institute).

NM_002880.4(RAF1):c.1150C>G (p.Pro384Ala)

Gene: RAF1 (Raf-1 proto-oncogene, serine/threonine kinase; minus strand). Cytogenetic location: 3p25.2.
Variant type: single nucleotide variant.
Coding change: c.1150C>G on transcript NM_002880.4 (MANE Select); coding-DNA position 1150, C replaced by G.
Protein change: p.Pro384Ala; replaces proline 384 with alanine.
Molecular consequence: missense variant. On other transcripts: non-coding transcript variant (3).
Genome position (GRCh38, 1-based): chr3:12,591,751, G>C on the plus strand (C>G on the coding strand, the complement: RAF1 is on the minus strand). VCF-style: chr3-12591751-G-C. GRCh37 (hg19) VCF-style: chr3-12633250-G-C.
Other names: c.1210C>G, p.Pro404Ala (NM_001354689.3); c.1150C>G, p.Pro384Ala (NM_001354690.3); c.907C>G, p.Pro303Ala (NM_001354691.3, NM_001354692.3); c.967C>G, p.Pro323Ala (NM_001354694.3); c.808C>G, p.Pro270Ala (NM_001354695.3); c.1051C>G, p.Pro351Ala (NM_001354693.3); short protein forms P384A, P404A, P323A, P351A, P270A, P303A.
Identifiers: ClinVar variation 561376 (VCV000561376.16), dbSNP rs140788943, ClinGen allele CA69610228.